The following is an entry in ClinVar:

ClinVar aggregate classification (germline): Conflicting classifications of pathogenicity. Review status: criteria provided, conflicting classifications (1 of 4 stars). 6 submissions from 6 submitters: Uncertain significance (5); Likely benign (1). Last evaluated 2025-04-09.

Conditions:
Cardiovascular phenotype. Identifiers: MedGen CN230736.
Cardiomyopathy (CMYO). Also called: Cardiomyopathies. Identifiers: Orphanet 167848, MedGen C0878544, MONDO:0004994, HP:0001638. Inheritance: Various modes of inheritance.
PRKAG2 cardiac syndrome.
Lethal congenital glycogen storage disease of heart. Also called: GLYCOGEN STORAGE DISEASE OF HEART; PHOSPHORYLASE KINASE DEFICIENCY OF HEART. Identifiers: Orphanet 439854, MedGen C1849813, MONDO:0009867, OMIM 261740.

Allele frequency attached by ClinVar (database versions not stated): ExAC 0.00001; TOPMed 0.00001; gnomAD exomes 0.00002.
gnomAD v4.1: 5 of 1,612,946 alleles (0.00031%); highest among the groups gnomAD compares: East Asian, 0.011%; no homozygotes.

Submissions (6):

Molecular Diagnostic Laboratory for Inherited Cardiovascular Disease, Montreal Heart Institute
Classification: Uncertain significance for Cardiovascular phenotype. Last evaluated: 2025-04-09. Review status: criteria provided, single submitter. Criteria: ACMG Guidelines, 2015. Collection method: clinical testing. Allele origin: germline. Affected: yes.
Comment: PM2

Ambry Genetics
Classification: Uncertain significance for Cardiovascular phenotype. Last evaluated: 2024-08-27. Review status: criteria provided, single submitter. Criteria: Ambry Variant Classification Scheme 2023. Collection method: clinical testing. Allele origin: germline.

Color Diagnostics, LLC DBA Color Health
Classification: Uncertain significance for Cardiomyopathy. Last evaluated: 2023-12-05. Review status: criteria provided, single submitter. Criteria: ACMG Guidelines, 2015. Collection method: clinical testing. Allele origin: germline.
Comment: Variant of Uncertain Significance due to insufficient evidence: This missense variant replaces proline with glutamine at codon 46 of the PRKAG2 protein. Computational prediction tools and conservation analyses are inconclusive regarding the impact of this variant on the protein function. Computational splicing tools suggest that this variant may not impact RNA splicing. To our knowledge, functional assays have not been performed for this variant nor has this variant been reported in individuals affected with cardiovascular disorders in the literature. This variant has been identified in 4/243368 chromosomes in the general population by the Genome Aggregation Database (gnomAD). Available evidence is insufficient to determine the pathogenicity of this variant conclusively.

Labcorp Genetics (formerly Invitae), Labcorp
Classification: Likely benign for Lethal congenital glycogen storage disease of heart. Last evaluated: 2023-08-06. Review status: criteria provided, single submitter. Criteria: Invitae Variant Classification Sherloc (09022015). Collection method: clinical testing. Allele origin: germline.

Clinical Genomics Laboratory, Stanford Medicine
Classification: Uncertain significance for PRKAG2 cardiac syndrome. Last evaluated: 2023-03-22. Review status: criteria provided, single submitter. Criteria: ACMG Guidelines, 2015. Collection method: clinical testing. Allele origin: germline. Observed: 1 variant allele, 1 heterozygote.
Comment: The p.Pro46Gln variant in the PRKAG2 gene has not been previously reported in association with disease. This variant has been identified in 4/18,324 East Asian chromosomes (4/248,502 chromosomes overall) by the Genome Aggregation Database. This variant is present in ClinVar (Accession: VCV000925627.10). The proline at position 46 is evolutionarily conserved. Computational tools predict that the p.Pro46Gln variant is deleterious; however, the accuracy of in silico algorithms is limited. These data were assessed using the ACMG/AMP variant interpretation guidelines. In summary, the significance of the p.Pro46Gln variant is uncertain. Additional information is needed to resolve the significance of this variant. [ACMG evidence codes used: PP3]

Blueprint Genetics
Classification: Uncertain significance. Last evaluated: 2022-07-25. Review status: criteria provided, single submitter. Criteria: ACMG Guidelines, 2015. Collection method: clinical testing. Allele origin: germline.

NM_016203.4(PRKAG2):c.137C>A (p.Pro46Gln)

Gene: PRKAG2 (protein kinase AMP-activated non-catalytic subunit gamma 2; minus strand). Cytogenetic location: 7q36.1.
Variant type: single nucleotide variant.
Coding change: c.137C>A on transcript NM_016203.4 (MANE Select); coding-DNA position 137, C replaced by A.
Protein change: p.Pro46Gln; replaces proline 46 with glutamine.
Molecular consequence: missense variant.
Genome position (GRCh38, 1-based): chr7:151,786,519, G>T on the plus strand (C>A on the coding strand, the complement: PRKAG2 is on the minus strand). VCF-style: chr7-151786519-G-T. GRCh37 (hg19) VCF-style: chr7-151483605-G-T.
Other names: c.5C>A, p.Pro2Gln (NM_001040633.2); c.137C>A (NM_016203.3); short protein forms P2Q, P46Q.
Identifiers: ClinVar variation 925627 (VCV000925627.12), dbSNP rs373477232, ClinGen allele CA054900.
Genomic context (GRCh38, chr7:151,786,519, plus strand): 5'-GGAGGTCTTACCTTTCGAGAGGAATGCTTTCCGGAACCCTCCAGGTCTCCGTCCAGGAGC[G>T]GCATGGCGAAGGAGCTCAGGTCCTAGGGTGGACAGAGAGCACGTGGTCAGTGACAGTGGC-3'
Protein context (NP_057287.2, residues 36-56): HIPDLSSFAM[Pro46Gln]LLDGDLEGSG